The following is an entry in ClinVar:

ClinVar aggregate classification (germline): Pathogenic (1 of 4 stars; one submission).

Conditions:
KBG syndrome (KBGS). Also called: ANKRD11-Related KBG Syndrome. Identifiers: Orphanet 2332, MedGen C0220687, MONDO:0007846, OMIM 148050.

Submission:

Labcorp Genetics (formerly Invitae), Labcorp
Classification: Pathogenic for KBG syndrome. Last evaluated: 2022-06-10. Review status: criteria provided, single submitter. Criteria: Invitae Variant Classification Sherloc (09022015). Collection method: clinical testing. Allele origin: germline.
Comment: This variant is a gross deletion of the genomic region encompassing exon(s) 4-13 of the ANKRD11 gene, which includes the termination codon. This deletion extends beyond the assayed region for this gene and therefore may encompass additional genes. While this deletion is not anticipated to lead to nonsense mediated decay, it is expected to alter mRNA translation or result in a truncated protein product. A similar copy number variant has been observed in individual(s) with KBG syndrome (PMID: 27605097). This variant is also known as Deletion (Exons 5-14). This variant disrupts a region of the ANKRD11 protein in which other variant(s) (deletion of exons 7-13) have been determined to be pathogenic (Invitae). This suggests that this is a clinically significant region of the protein, and that variants that disrupt it are likely to be disease-causing. For these reasons, this variant has been classified as Pathogenic.

Literature cited by the submitters: PubMed 27605097.

NC_000016.9:g.(?_89334886)_(89371772_?)del

Gene: ANKRD11 (ankyrin repeat domain 11; minus strand). Cytogenetic location: 16q24.3.
Variant type: Deletion.
Identifiers: ClinVar variation 2425846 (VCV002425846.3).